The following is an entry in ClinVar:

ClinVar aggregate classification (germline): Uncertain significance (1 of 4 stars; one submission).

Conditions:
Nemaline myopathy 6 (NEM6). Also called: Nemaline myopathy 6, autosomal dominant. Identifiers: Orphanet 171439, MedGen C1836472, MONDO:0012237, OMIM 609273.

Submission:

Labcorp Genetics (formerly Invitae), Labcorp
Classification: Uncertain significance for Nemaline myopathy 6. Last evaluated: 2025-08-10. Review status: criteria provided, single submitter. Criteria: Invitae Variant Classification Sherloc (09022015). Collection method: clinical testing. Allele origin: germline.
Comment: This sequence change replaces alanine, which is neutral and non-polar, with serine, which is neutral and polar, at codon 186 of the KBTBD13 protein (p.Ala186Ser). This variant is present in population databases (no rsID available, gnomAD 0.01%). This variant has not been reported in the literature in individuals affected with KBTBD13-related conditions. ClinVar contains an entry for this variant (Variation ID: 3712450). Invitae Evidence Modeling of protein sequence and biophysical properties (such as structural, functional, and spatial information, amino acid conservation, physicochemical variation, residue mobility, and thermodynamic stability) indicates that this missense variant is not expected to disrupt KBTBD13 protein function with a negative predictive value of 80%. In summary, the available evidence is currently insufficient to determine the role of this variant in disease. Therefore, it has been classified as a Variant of Uncertain Significance.

NM_001101362.3(KBTBD13):c.556G>T (p.Ala186Ser)

Gene: KBTBD13 (kelch repeat and BTB domain containing 13; plus strand). Cytogenetic location: 15q22.31.
Variant type: single nucleotide variant.
Coding change: c.556G>T on transcript NM_001101362.3 (MANE Select); coding-DNA position 556, G replaced by T.
Protein change: p.Ala186Ser; replaces alanine 186 with serine.
Molecular consequence: missense variant.
Genome position (GRCh38, 1-based): chr15:65,077,371, G>T. VCF-style: chr15-65077371-G-T. GRCh37 (hg19) VCF-style: chr15-65369709-G-T.
Other names: short protein forms A186S.
Identifiers: ClinVar variation 3712450 (VCV003712450.2).